The following is an entry in ClinVar:

ClinVar aggregate classification (germline): Uncertain significance. Review status: criteria provided, multiple submitters, no conflicts (2 of 4 stars). 2 submissions from 2 submitters: Uncertain significance (2). Last evaluated 2025-12-07.

Conditions:
Familial cancer of breast. Also called: hereditary breast carcinoma; Hereditary breast cancer; BREAST CANCER, FAMILIAL. Identifiers: Orphanet 227535, MedGen C0346153, MONDO:0016419, OMIM 114480. Disease mechanism: loss of function.
Fanconi anemia complementation group J. Also called: BRIP1-Related Fanconi Anemia. Identifiers: Orphanet 84, MedGen C1836860, MONDO:0012187, OMIM 609054.
Hereditary cancer-predisposing syndrome. Also called: Hereditary neoplastic syndrome; Hereditary Cancer Syndrome; Neoplastic Syndromes, Hereditary; Tumor predisposition. Identifiers: Orphanet 140162, MedGen C0027672, MeSH D009386, MONDO:0015356.

Submissions (2):

Ambry Genetics
Classification: Uncertain significance for Hereditary cancer-predisposing syndrome. Last evaluated: 2025-12-07. Review status: criteria provided, single submitter. Criteria: Ambry Variant Classification Scheme 2023. Collection method: clinical testing. Allele origin: germline.
Comment: The p.Y916C variant (also known as c.2747A>G), located in coding exon 18 of the BRIP1 gene, results from an A to G substitution at nucleotide position 2747. The tyrosine at codon 916 is replaced by cysteine, an amino acid with highly dissimilar properties. This amino acid position is conserved. In addition, this alteration is predicted to be tolerated by in silico analysis. Based on the available evidence, the clinical significance of this variant remains unclear.

Labcorp Genetics (formerly Invitae), Labcorp
Classification: Uncertain significance for Familial cancer of breast; Fanconi anemia complementation group J. Last evaluated: 2025-11-10. Review status: criteria provided, single submitter. Criteria: Invitae Variant Classification Sherloc (09022015). Collection method: clinical testing. Allele origin: germline.
Comment: This sequence change replaces tyrosine, which is neutral and polar, with cysteine, which is neutral and slightly polar, at codon 916 of the BRIP1 protein (p.Tyr916Cys). This variant is not present in population databases (gnomAD no frequency). This variant has not been reported in the literature in individuals affected with BRIP1-related conditions. Invitae Evidence Modeling of protein sequence and biophysical properties (such as structural, functional, and spatial information, amino acid conservation, physicochemical variation, residue mobility, and thermodynamic stability) indicates that this missense variant is not expected to disrupt BRIP1 protein function with a negative predictive value of 95%. In summary, the available evidence is currently insufficient to determine the role of this variant in disease. Therefore, it has been classified as a Variant of Uncertain Significance.

NM_032043.3(BRIP1):c.2747A>G (p.Tyr916Cys)

Gene: BRIP1 (BRCA1 interacting DNA helicase 1; minus strand). Cytogenetic location: 17q23.2.
Variant type: single nucleotide variant.
Coding change: c.2747A>G on transcript NM_032043.3 (MANE Select); coding-DNA position 2747, A replaced by G.
Protein change: p.Tyr916Cys; replaces tyrosine 916 with cysteine.
Molecular consequence: missense variant.
Genome position (GRCh38, 1-based): chr17:61,685,994, T>C on the plus strand (A>G on the coding strand, the complement: BRIP1 is on the minus strand). VCF-style: chr17-61685994-T-C. GRCh37 (hg19) VCF-style: chr17-59763355-T-C.
Other names: short protein forms Y916C.
Identifiers: ClinVar variation 4630324 (VCV004630324.2).